The following is an entry in ClinVar:

NM_000179.3(MSH6):c.88_100del (p.Glu30fs)

Gene: MSH6 (mutS homolog 6; plus strand). Cytogenetic location: 2p16.3.
Variant type: Deletion.
Coding change: c.88_100del on transcript NM_000179.3 (MANE Select); coding-DNA positions 88 to 100, 13 bases deleted (GAAGGCGGCCGTG).
Protein change: p.Glu30fs; shifts the reading frame from glutamic acid 30.
Molecular consequence: frameshift variant. On other transcripts: 5 prime UTR variant (1).
Genome position (GRCh38, 1-based): chr2:47,783,321-47,783,333, GAAGGCGGCCGTG deleted. VCF-style (leftmost placement, unchanged base first): chr2-47783320-CGAAGGCGGCCGTG-C. GRCh37 (hg19) VCF-style: chr2-48010459-CGAAGGCGGCCGTG-C.
Other names: c.88_100del, p.Glu30fs (NM_001281492.2); c.-649_-637del (NM_001281493.2); c.88_100delGAAGGCGGCCGTG, p.Glu30Profs (NM_001406795.1, NM_001406796.1, NM_001406798.1 and 8 more transcripts); c.-241_-229delGAAGGCGGCCGTG (NM_001406799.1); c.33_45delGAAGGCGGCCGTG, p.Lys12Argfs (NM_001406804.1); c.-841_-829delGAAGGCGGCCGTG (NM_001406807.1); c.-649_-637delGAAGGCGGCCGTG (NM_001406811.1); c.-496_-484delGAAGGCGGCCGTG (NM_001406812.1); and 2 more; short protein forms E30fs.
Identifiers: ClinVar variation 1764733 (VCV001764733.2), dbSNP rs2530316392, ClinGen allele CA2580066975.

ClinVar aggregate classification (germline): Pathogenic (1 of 4 stars; one submission).

Conditions:
Hereditary cancer-predisposing syndrome. Also called: Neoplastic Syndromes, Hereditary; Tumor predisposition; Hereditary Cancer Syndrome; Hereditary neoplastic syndrome. Identifiers: Orphanet 140162, MedGen C0027672, MeSH D009386, MONDO:0015356.

Submission:

Ambry Genetics
Classification: Pathogenic for Hereditary cancer-predisposing syndrome. Last evaluated: 2017-08-08. Review status: criteria provided, single submitter. Criteria: Ambry Variant Classification Scheme 2023. Collection method: clinical testing. Allele origin: germline.
Comment: The c.88_100delGAAGGCGGCCGTG pathogenic mutation, located in coding exon 1 of the MSH6 gene, results from a deletion of 13 nucleotides at nucleotide positions 88 to 100, causing a translational frameshift with a predicted alternate stop codon (p.E30Pfs*47). This alteration is expected to result in loss of function by premature protein truncation or nonsense-mediated mRNA decay. As such, this alteration is interpreted as a disease-causing mutation.